The following is an entry in ClinVar:

NM_021939.4(FKBP10):c.186_187insTG (p.Asp63fs)

Gene: FKBP10 (FKBP prolyl isomerase 10; plus strand). Cytogenetic location: 17q21.2.
Variant type: Insertion.
Coding change: c.186_187insTG on transcript NM_021939.4 (MANE Select); coding-DNA positions 186 to 187, TG inserted.
Protein change: p.Asp63fs; shifts the reading frame from aspartic acid 63.
Molecular consequence: frameshift variant.
Genome position: GRCh38 VCF-style: chr17-41813219-G-GGT. GRCh37 (hg19) VCF-style: chr17-39969471-G-GGT.
Other names: short protein forms D63fs.
Identifiers: ClinVar variation 2858294 (VCV002858294.3), dbSNP rs2047770974, ClinGen allele CA2260197547.

ClinVar aggregate classification (germline): Pathogenic (1 of 4 stars; one submission).

Submission:

Labcorp Genetics (formerly Invitae), Labcorp
Classification: Pathogenic. Last evaluated: 2023-04-22. Review status: criteria provided, single submitter. Criteria: Invitae Variant Classification Sherloc (09022015). Collection method: clinical testing. Allele origin: germline.
Comment: For these reasons, this variant has been classified as Pathogenic. This variant has not been reported in the literature in individuals affected with FKBP10-related conditions. This variant is not present in population databases (gnomAD no frequency). This sequence change creates a premature translational stop signal (p.Asp63Trpfs*97) in the FKBP10 gene. It is expected to result in an absent or disrupted protein product. Loss-of-function variants in FKBP10 are known to be pathogenic (PMID: 22689593, 22949511).

Literature cited by the submitters: PubMed 22689593; PubMed 22949511.